The following is an entry in ClinVar:

ClinVar aggregate classification (germline): Likely pathogenic (1 of 4 stars; one submission).

Conditions:
Christianson syndrome (MRXSCH). Also called: SLC9A6-Related Syndromic Mental Retardation; X-linked mental retardation, syndromic, Christianson type; INTELLECTUAL DEVELOPMENTAL DISORDER, X-LINKED, SYNDROMIC, CHRISTIANSON TYPE. Identifiers: Orphanet 85278, MedGen C2678194, MONDO:0010278, OMIM 300243.

Submission:

3billion
Classification: Likely pathogenic for Christianson syndrome. Last evaluated: 2025-11-06. Review status: criteria provided, single submitter. Criteria: ACMG Guidelines, 2015. Collection method: clinical testing. Allele origin: germline. Affected: yes.
Comment: The variant is not observed in the gnomAD v4.1.0 dataset. Predicted Consequence/Location: Canonical splice site: predicted to alter splicing and result in a loss or disruption of normal protein function. Multiple pathogenic loss-of-function variants are reported downstream of the variant. In silico tools predict the variant to alter splicing and produce an abnormal transcript [SpliceAI: 0.89 (spliceogenicity >=0.2, non-spliceogenicity <0.1)]. Therefore, this variant is classified as Likely pathogenic according to the recommendation of ACMG/AMP guideline.

NM_001379110.1(SLC9A6):c.1583del

Gene: SLC9A6 (solute carrier family 9 member A6; plus strand). Cytogenetic location: Xq26.3.
Variant type: Deletion.
Coding change: c.1583del on transcript NM_001379110.1 (MANE Select); coding-DNA position 1583, one base deleted (G; older notation c.1583delG).
Molecular consequence: splice acceptor variant.
Genome position (GRCh38, 1-based): chrX:136,033,415, G deleted; the last of 3 consecutive G bases (chrX:136,033,413-136,033,415); deleting any one gives the same sequence. VCF-style (leftmost placement, unchanged base first): chrX-136033412-AG-A. GRCh37 (hg19) VCF-style: chrX-135115571-AG-A.
Identifiers: ClinVar variation 4855195 (VCV004855195.1).